The following is an entry in ClinVar:

ClinVar aggregate classification (germline): Pathogenic (1 of 4 stars; one submission).

Submission:

Medical Genetic Center, Changzhi Maternal and Child Health Care Hospital
Classification: Pathogenic. Last evaluated: 2025-12-10. Review status: criteria provided, single submitter. Criteria: ACMG/ClinGen CNV Guidelines, 2019. Collection method: clinical testing. Allele origin: unknown.
Comment: 2A:15q11.2q13 recurrent (PWS/AS) region (Class 2,BP2-BP3)

GRCh38/hg38 15q11.2-13.1(chr15:23387531-28281759)x3

Genes: SNURF (SNRPN upstream open reading frame; plus strand), TRE-TTC2-2 (tRNA-Glu (anticodon TTC) 2-2; minus strand), UBE3A (ubiquitin protein ligase E3A; minus strand), ATP10A (ATPase phospholipid transporting 10A (putative); minus strand), ATP10A-DT (ATP10A divergent transcript; plus strand) and 138 more. Cytogenetic location: 15q11.2-13.1.
Variant type: copy number gain.
Change: copy number 3 (three copies instead of two) of chr15:23,387,531-28,281,759 (4.89 Mb, GRCh38 coordinates, 1-based), cytogenetic band 15q11.2-13.1.
Identifiers: ClinVar variation 4796085 (VCV004796085.1).